The following is an entry in ClinVar:

NM_000552.5(VWF):c.6674G>A (p.Ser2225Asn)

Gene: VWF (von Willebrand factor; minus strand). Cytogenetic location: 12p13.31.
Variant type: single nucleotide variant.
Coding change: c.6674G>A on transcript NM_000552.5 (MANE Select); coding-DNA position 6674, G replaced by A.
Protein change: p.Ser2225Asn; replaces serine 2225 with asparagine.
Molecular consequence: missense variant.
Genome position (GRCh38, 1-based): chr12:5,991,943, C>T on the plus strand (G>A on the coding strand, the complement: VWF is on the minus strand). VCF-style: chr12-5991943-C-T. GRCh37 (hg19) VCF-style: chr12-6101109-C-T.
Other names: p.Ser2225Asn; c.6674G>A (NM_000552.4); short protein forms S2225N.
Identifiers: ClinVar variation 3233638 (VCV003233638.3), dbSNP rs142316574, ClinGen allele CA6401931.

ClinVar aggregate classification (germline): Uncertain significance. Review status: criteria provided, multiple submitters, no conflicts (2 of 4 stars). 2 submissions from 2 submitters: Uncertain significance (2). Last evaluated 2024-03-06.

Allele frequency attached by ClinVar (database versions not stated): gnomAD exomes below 0.00001; ExAC 0.00001; gnomAD 0.00001; TOPMed 0.00003; ESP Exome Variant Server 0.00008.
gnomAD v4.1: 6 of 1,614,112 alleles (0.00037%); highest among the groups gnomAD compares: Non-Finnish European, 0.00051%; no homozygotes.

Submissions (2):

Women's Health and Genetics/Laboratory Corporation of America, LabCorp
Classification: Uncertain significance. Last evaluated: 2024-03-06. Review status: criteria provided, single submitter. Criteria: LabCorp Variant Classification Summary - May 2015. Collection method: clinical testing. Allele origin: germline.
Comment: Variant summary: VWF c.6674G>A (p.Ser2225Asn) results in a conservative amino acid change in the encoded protein sequence. Three of five in-silico tools predict a damaging effect of the variant on protein function. The variant allele was found at a frequency of 4e-06 in 251348 control chromosomes. The available data on variant occurrences in the general population are insufficient to allow any conclusion about variant significance. To our knowledge, no occurrence of c.6674G>A in individuals affected with Von Willebrand Disease and no experimental evidence demonstrating its impact on protein function have been reported. No submitters have cited clinical-significance assessments for this variant to ClinVar. Based on the evidence outlined above, the variant was classified as uncertain significance.

Mayo Clinic Laboratories, Mayo Clinic
Classification: Uncertain significance. Last evaluated: 2023-11-07. Review status: criteria provided, single submitter. Criteria: ACMG Guidelines, 2015. Collection method: clinical testing. Allele origin: germline. Observed: 1 variant allele.
Comment: PM2_moderate